The following is an entry in ClinVar:

NM_014714.4(IFT140):c.3782A>T (p.Lys1261Met)

Gene: IFT140 (intraflagellar transport 140; minus strand). Cytogenetic location: 16p13.3.
Variant type: single nucleotide variant.
Coding change: c.3782A>T on transcript NM_014714.4 (MANE Select); coding-DNA position 3782, A replaced by T.
Protein change: p.Lys1261Met; replaces lysine 1261 with methionine.
Molecular consequence: missense variant.
Genome position (GRCh38, 1-based): chr16:1,520,222, T>A on the plus strand (A>T on the coding strand, the complement: IFT140 is on the minus strand). VCF-style: chr16-1520222-T-A. GRCh37 (hg19) VCF-style: chr16-1570223-T-A.
Other names: short protein forms K1261M.
Identifiers: ClinVar variation 3364815 (VCV003364815.2).

ClinVar aggregate classification (germline): Uncertain significance. Review status: criteria provided, multiple submitters, no conflicts (2 of 4 stars). 2 submissions from 2 submitters: Uncertain significance (2). Last evaluated 2025-10-06.

Conditions:
Saldino-Mainzer syndrome (SRTD9). Also called: CONORENAL SYNDROME; Renal dysplasia, retinal pigmentary dystrophy, cerebellar ataxia and skeletal dysplasia; short-rib thoracic dysplasia 9 with or without polydactyly; SHORT-RIB THORACIC DYSPLASIA 9 WITHOUT POLYDACTYLY. Identifiers: Orphanet 140969, MedGen C1849437, MONDO:0009964, OMIM 266920.

Submissions (2):

Labcorp Genetics (formerly Invitae), Labcorp
Classification: Uncertain significance for Saldino-Mainzer syndrome. Last evaluated: 2025-10-06. Review status: criteria provided, single submitter. Criteria: Invitae Variant Classification Sherloc (09022015). Collection method: clinical testing. Allele origin: germline.
Comment: This sequence change replaces lysine, which is basic and polar, with methionine, which is neutral and non-polar, at codon 1261 of the IFT140 protein (p.Lys1261Met). This variant is not present in population databases (gnomAD no frequency). This variant has not been reported in the literature in individuals affected with IFT140-related conditions. ClinVar contains an entry for this variant (Variation ID: 3364815). Invitae Evidence Modeling of protein sequence and biophysical properties (such as structural, functional, and spatial information, amino acid conservation, physicochemical variation, residue mobility, and thermodynamic stability) has been performed for this missense variant. However, the output from this modeling did not meet the statistical confidence thresholds required to predict the impact of this variant on IFT140 protein function. In summary, the available evidence is currently insufficient to determine the role of this variant in disease. Therefore, it has been classified as a Variant of Uncertain Significance.

GeneDx
Classification: Uncertain significance. Last evaluated: 2023-11-27. Review status: criteria provided, single submitter. Criteria: GeneDx Variant Classification Process June 2021. Collection method: clinical testing. Allele origin: germline. Affected: yes.
Comment: Not observed at significant frequency in large population cohorts (gnomAD); In silico analysis supports that this missense variant has a deleterious effect on protein structure/function; Has not been previously published as pathogenic or benign to our knowledge